The following is an entry in ClinVar:

ClinVar aggregate classification (germline): Uncertain significance (1 of 4 stars; one submission).

Submission:

Dasa
Classification: Uncertain significance. Last evaluated: 2025-09-24. Review status: criteria provided, single submitter. Criteria: DASA Assertion Criteria. Collection method: clinical testing. Allele origin: germline.
Comment: NM_144687.4(NLRP12):c.296del (p.Pro99Hisfs*49) is a frameshift variant in NLRP12 predicted to alter the reading frame and introduce a premature termination codon. This variant is rare in population databases. The currently available literature and clinical evidence are not sufficient to establish a definitive association between this variant and the reported condition. Therefore, this variant is classified as a variant of uncertain significance.

NM_144687.4(NLRP12):c.296del (p.Pro99fs)

Gene: NLRP12 (NLR family pyrin domain containing 12; minus strand). Cytogenetic location: 19q13.42.
Variant type: Deletion.
Coding change: c.296del on transcript NM_144687.4 (MANE Select); coding-DNA position 296, one base deleted (C; older notation c.296delC).
Protein change: p.Pro99fs; shifts the reading frame from proline 99.
Molecular consequence: frameshift variant.
Genome position (GRCh38, 1-based): chr19:53,814,982, G deleted on the plus strand (C on the coding strand, the reverse complement: NLRP12 is on the minus strand); the first of 4 consecutive G bases (chr19:53,814,982-53,814,985); deleting any one gives the same sequence. VCF-style (leftmost placement, unchanged base first): chr19-53814981-TG-T. GRCh37 (hg19) VCF-style: chr19-54318235-TG-T.
Other names: c.296del, p.Pro99fs (NM_001277126.2, NM_001277129.1); short protein forms P99fs.
Identifiers: ClinVar variation 4886296 (VCV004886296.2).